The following is an entry in ClinVar:

NM_001148.6(ANK2):c.2890A>G (p.Ile964Val)

Gene: ANK2 (ankyrin 2; plus strand). Cytogenetic location: 4q26.
Variant type: single nucleotide variant.
Coding change: c.2890A>G on transcript NM_001148.6 (MANE Select); coding-DNA position 2890, A replaced by G.
Protein change: p.Ile964Val; replaces isoleucine 964 with valine.
Molecular consequence: missense variant.
Genome position (GRCh38, 1-based): chr4:113,318,610, A>G. VCF-style: chr4-113318610-A-G. GRCh37 (hg19) VCF-style: chr4-114239766-A-G.
Other names: c.2803A>G, p.Ile935Val (NM_001386149.1, NM_001386150.1, NM_001386153.1 and 7 more transcripts); c.2704A>G, p.Ile902Val (NM_001386151.1, NM_001354260.2, NM_001354271.2); c.2947A>G, p.Ile983Val (NM_001386152.1); c.2788A>G, p.Ile930Val (NM_001386154.1, NM_001354274.2, NM_001386142.1); c.2728A>G, p.Ile910Val (NM_001386156.1, NM_001354253.2, NM_001354257.2 and 1 more transcripts); c.2605A>G, p.Ile869Val (NM_001386157.1, NM_001354277.2); c.2506A>G, p.Ile836Val (NM_001386158.1); c.2833A>G, p.Ile945Val (NM_001386160.1); and 17 more; short protein forms I897V, I930V, I943V, I869V, I893V, I910V, I942V, I950V.
Identifiers: ClinVar variation 665456 (VCV000665456.10), dbSNP rs750129234, ClinGen allele CA3050695.

ClinVar aggregate classification (germline): Uncertain significance. Review status: criteria provided, multiple submitters, no conflicts (2 of 4 stars). 3 submissions from 3 submitters: Uncertain significance (3). Last evaluated 2025-12-02.

Conditions:
Cardiovascular phenotype. Identifiers: MedGen CN230736.
Long QT syndrome (LQTS). Identifiers: MedGen C0023976, MeSH D008133, MONDO:0002442. Disease mechanism: loss of function. Inheritance: Various modes of inheritance.

Allele frequency attached by ClinVar (database versions not stated): gnomAD exomes 0.00001 and 0.00002; ExAC 0.00003; gnomAD 0.00003; TOPMed 0.00003.

Submissions (3):

Labcorp Genetics (formerly Invitae), Labcorp
Classification: Uncertain significance for Long QT syndrome. Last evaluated: 2025-12-02. Review status: criteria provided, single submitter. Criteria: Invitae Variant Classification Sherloc (09022015). Collection method: clinical testing. Allele origin: germline.
Comment: This sequence change replaces isoleucine, which is neutral and non-polar, with valine, which is neutral and non-polar, at codon 964 of the ANK2 protein (p.Ile964Val). This variant is present in population databases (rs750129234, gnomAD 0.004%). This variant has not been reported in the literature in individuals affected with ANK2-related conditions. ClinVar contains an entry for this variant (Variation ID: 665456). Invitae Evidence Modeling of protein sequence and biophysical properties (such as structural, functional, and spatial information, amino acid conservation, physicochemical variation, residue mobility, and thermodynamic stability) indicates that this missense variant is not expected to disrupt ANK2 protein function with a negative predictive value of 80%. In summary, the available evidence is currently insufficient to determine the role of this variant in disease. Therefore, it has been classified as a Variant of Uncertain Significance.

Ambry Genetics
Classification: Uncertain significance for Cardiovascular phenotype. Last evaluated: 2024-11-27. Review status: criteria provided, single submitter. Criteria: Ambry Variant Classification Scheme 2023. Collection method: clinical testing. Allele origin: germline.
Comment: The p.I964V variant (also known as c.2890A>G), located in coding exon 26 of the ANK2 gene, results from an A to G substitution at nucleotide position 2890. The isoleucine at codon 964 is replaced by valine, an amino acid with highly similar properties. This variant was detected in an individual from a hospital-based cohort with prolonged QTc interval who may have had a non-genetic explanation for QTc prolongation (Gibbs C et al. J Am Heart Assoc, 2018 Aug;7:e009706). This variant was also reported to co-occur with a variant in the DSP gene in an individual from an arrhythmogenic right ventricular cardiomyopathy cohort (Roberts JD et al. J. Clin. Invest., 2019 07;129:3171-3184). This amino acid position is not well conserved in available vertebrate species, and valine is the reference amino acid in other vertebrate species. In addition, this alteration is predicted to be tolerated by in silico analysis. Since supporting evidence is limited at this time, the clinical significance of this alteration remains unclear.

GeneDx
Classification: Uncertain significance. Last evaluated: 2019-11-08. Review status: criteria provided, single submitter. Criteria: GeneDx Variant Classification Process June 2021. Collection method: clinical testing. Allele origin: germline. Affected: yes.
Comment: Not observed at a significant frequency in large population cohorts (Lek et al., 2016); In silico analysis, which includes protein predictors and evolutionary conservation, supports that this variant does not alter protein structure/function; This variant is associated with the following publications: (PMID: 31264976)

Literature cited by the submitters: PubMed 30369311 (cited by Ambry Genetics); PubMed 31264976 (cited by Ambry Genetics).